The following is an entry in ClinVar:

NM_021942.6(TRAPPC11):c.1766A>G (p.Gln589Arg)

Gene: TRAPPC11 (trafficking protein particle complex subunit 11; plus strand). Cytogenetic location: 4q35.1.
Variant type: single nucleotide variant.
Coding change: c.1766A>G on transcript NM_021942.6 (MANE Select); coding-DNA position 1766, A replaced by G.
Protein change: p.Gln589Arg; replaces glutamine 589 with arginine.
Molecular consequence: missense variant.
Genome position (GRCh38, 1-based): chr4:183,686,621, A>G. VCF-style: chr4-183686621-A-G. GRCh37 (hg19) VCF-style: chr4-184607774-A-G.
Other names: c.1766A>G, p.Gln589Arg (NM_199053.3); c.1766A>G (NM_021942.4); short protein forms Q589R.
Identifiers: ClinVar variation 945081 (VCV000945081.12), dbSNP rs146053783, ClinGen allele CA3152019.
Genomic context (GRCh38, chr4:183,686,621, plus strand): 5'-TGTGTGGGTCGTGGGTATCTGGTTGTGCATAACACAGCCCTTTTGTTTTATTTCTAGTGC[A>G]GTGCAAAGCCAAGTTTCATGCCCCAAGTTTTCATGTTGATGTTCCTGTTCAGTTTGATAT-3'
Protein context (NP_068761.4, residues 579-599): IGVQDFVPFV[Gln589Arg]CKAKFHAPSF

ClinVar aggregate classification (germline): Uncertain significance. Review status: criteria provided, multiple submitters, no conflicts (2 of 4 stars). 3 submissions from 3 submitters: Uncertain significance (3). Last evaluated 2025-08-12.

Conditions:
Inborn genetic diseases. Identifiers: MedGen C0950123, MeSH D030342.
Autosomal recessive limb-girdle muscular dystrophy type R18 (LGMDR18). Also called: MUSCULAR DYSTROPHY, LIMB-GIRDLE, AUTOSOMAL RECESSIVE 18; Autosomal recessive limb-girdle muscular dystrophy type 2S; Limb-girdle muscular dystrophy, type 2S. Identifiers: Orphanet 369840, MedGen C4517996, MONDO:0014144, OMIM 615356.

Allele frequency attached by ClinVar (database versions not stated): gnomAD exomes 0.00001 and 0.00002; ExAC 0.00003; gnomAD 0.00009; TOPMed 0.00012; ESP Exome Variant Server 0.00015; 1000 Genomes Project 30x 0.00016; 1000 Genomes Project 0.00020.
gnomAD v4.1: 28 of 1,613,958 alleles (0.0017%); highest among the groups gnomAD compares: African/African-American, 0.035%; no homozygotes.

Submissions (3):

Ambry Genetics
Classification: Uncertain significance for Inborn genetic diseases. Last evaluated: 2025-08-12. Review status: criteria provided, single submitter. Criteria: Ambry Variant Classification Scheme 2023. Collection method: clinical testing. Allele origin: germline.

Labcorp Genetics (formerly Invitae), Labcorp
Classification: Uncertain significance for Autosomal recessive limb-girdle muscular dystrophy type R18. Last evaluated: 2022-07-05. Review status: criteria provided, single submitter. Criteria: Invitae Variant Classification Sherloc (09022015). Collection method: clinical testing. Allele origin: germline.
Comment: This sequence change replaces glutamine, which is neutral and polar, with arginine, which is basic and polar, at codon 589 of the TRAPPC11 protein (p.Gln589Arg). This variant is present in population databases (rs146053783, gnomAD 0.03%). This variant has not been reported in the literature in individuals affected with TRAPPC11-related conditions. ClinVar contains an entry for this variant (Variation ID: 945081). Algorithms developed to predict the effect of missense changes on protein structure and function are either unavailable or do not agree on the potential impact of this missense change (SIFT: "Deleterious"; PolyPhen-2: "Benign"; Align-GVGD: "Class C0"). Algorithms developed to predict the effect of sequence changes on RNA splicing suggest that this variant may disrupt the consensus splice site. In summary, the available evidence is currently insufficient to determine the role of this variant in disease. Therefore, it has been classified as a Variant of Uncertain Significance.

Revvity Omics, Revvity
Classification: Uncertain significance for Autosomal recessive limb-girdle muscular dystrophy type R18. Last evaluated: 2019-07-03. Review status: criteria provided, single submitter. Criteria: ACMG Guidelines, 2015. Collection method: clinical testing. Allele origin: germline.